The following is an entry in ClinVar:

NM_004380.3(CREBBP):c.224G>A (p.Arg75Gln)

Gene: CREBBP (CREB binding lysine acetyltransferase; minus strand). Cytogenetic location: 16p13.3.
Variant type: single nucleotide variant.
Coding change: c.224G>A on transcript NM_004380.3 (MANE Select); coding-DNA position 224, G replaced by A.
Protein change: p.Arg75Gln; replaces arginine 75 with glutamine.
Molecular consequence: missense variant.
Genome position (GRCh38, 1-based): chr16:3,850,871, C>T on the plus strand (G>A on the coding strand, the complement: CREBBP is on the minus strand). VCF-style: chr16-3850871-C-T. GRCh37 (hg19) VCF-style: chr16-3900872-C-T.
Other names: c.224G>A, p.Arg75Gln (NM_001079846.1); short protein forms R75Q.
Identifiers: ClinVar variation 195215 (VCV000195215.6), dbSNP rs794727273, ClinGen allele CA241537.

ClinVar aggregate classification (germline): Uncertain significance. Review status: criteria provided, multiple submitters, no conflicts (2 of 4 stars). 2 submissions from 2 submitters: Uncertain significance (2). Last evaluated 2025-10-01.

Conditions:
Rubinstein-Taybi syndrome (RSTS). Identifiers: Orphanet 783, MedGen C0035934, MONDO:0019188.

Allele frequency attached by ClinVar (database versions not stated): gnomAD exomes below 0.00001.
gnomAD v4.1: 1 of 1,614,122 alleles (0.000062%); highest among the groups gnomAD compares: Non-Finnish European, 0.000085%; no homozygotes.

Submissions (2):

Labcorp Genetics (formerly Invitae), Labcorp
Classification: Uncertain significance for Rubinstein-Taybi syndrome. Last evaluated: 2025-10-01. Review status: criteria provided, single submitter. Criteria: Invitae Variant Classification Sherloc (09022015). Collection method: clinical testing. Allele origin: germline.
Comment: This sequence change replaces arginine, which is basic and polar, with glutamine, which is neutral and polar, at codon 75 of the CREBBP protein (p.Arg75Gln). This variant is not present in population databases (gnomAD no frequency). This variant has not been reported in the literature in individuals affected with CREBBP-related conditions. ClinVar contains an entry for this variant (Variation ID: 195215). Invitae Evidence Modeling of protein sequence and biophysical properties (such as structural, functional, and spatial information, amino acid conservation, physicochemical variation, residue mobility, and thermodynamic stability) indicates that this missense variant is not expected to disrupt CREBBP protein function with a negative predictive value of 95%. In summary, the available evidence is currently insufficient to determine the role of this variant in disease. Therefore, it has been classified as a Variant of Uncertain Significance.

Eurofins Ntd Llc (ga)
Classification: Uncertain significance. Last evaluated: 2014-06-20. Review status: criteria provided, single submitter. Criteria: EGL Classification Definitions 2015. Collection method: clinical testing. Allele origin: germline. Observed: 1 variant allele, 1 heterozygote.